The following is an entry in ClinVar:

ClinVar aggregate classification (germline): Uncertain significance (1 of 4 stars; one submission).

Conditions:
Cardiovascular phenotype. Identifiers: MedGen CN230736.

Submission:

Ambry Genetics
Classification: Uncertain significance for Cardiovascular phenotype. Last evaluated: 2026-01-17. Review status: criteria provided, single submitter. Criteria: Ambry Variant Classification Scheme 2023. Collection method: clinical testing. Allele origin: germline.
Comment: The p.S632I variant (also known as c.1895G>T), located in coding exon 11 of the LMNA gene, results from a G to T substitution at nucleotide position 1895. The serine at codon 632 is replaced by isoleucine, an amino acid with dissimilar properties. This amino acid position is conserved. In addition, the in silico prediction for this alteration is inconclusive. Based on the available evidence, the clinical significance of this variant remains unclear.

NM_170707.4(LMNA):c.1895G>T (p.Ser632Ile)

Gene: LMNA (lamin A/C; plus strand). Cytogenetic location: 1q22.
Variant type: single nucleotide variant.
Coding change: c.1895G>T on transcript NM_170707.4 (MANE Select); coding-DNA position 1895, G replaced by T.
Protein change: p.Ser632Ile; replaces serine 632 with isoleucine.
Molecular consequence: missense variant. On other transcripts: intron variant (1).
Genome position (GRCh38, 1-based): chr1:156,138,684, G>T. VCF-style: chr1-156138684-G-T. GRCh37 (hg19) VCF-style: chr1-156108475-G-T.
Other names: c.1559G>T, p.Ser520Ile (NM_001257374.3, NM_001406989.1); c.1895G>T, p.Ser632Ile (NM_001406983.1, NM_001406985.1, NM_001406991.1); c.1652G>T, p.Ser551Ile (NM_001406986.1, NM_001406987.1); c.1598G>T, p.Ser533Ile (NM_001406988.1); c.1337G>T, p.Ser446Ile (NM_001406990.1, NM_001406993.1, NM_001406995.1 and 2 more transcripts); c.1271G>T, p.Ser424Ile (NM_001406994.1, NM_001406999.1, NM_001407000.1 and 1 more transcripts); c.1805G>T, p.Ser602Ile (NM_170708.4); c.1818+77G>T (NM_001282626.2); short protein forms S520I, S424I, S446I, S551I, S602I, S533I, S632I.
Identifiers: ClinVar variation 4825155 (VCV004825155.1).